The following is an entry in ClinVar:

ClinVar aggregate classification (germline): Uncertain significance (1 of 4 stars; one submission).

Submission:

Labcorp Genetics (formerly Invitae), Labcorp
Classification: Uncertain significance. Last evaluated: 2026-01-24. Review status: criteria provided, single submitter. Criteria: Invitae Variant Classification Sherloc (09022015). Collection method: clinical testing. Allele origin: germline.
Comment: This sequence change replaces proline, which is neutral and non-polar, with alanine, which is neutral and non-polar, at codon 372 of the SIX5 protein (p.Pro372Ala). This variant is not present in population databases (gnomAD no frequency). This variant has not been reported in the literature in individuals affected with SIX5-related conditions. Invitae Evidence Modeling of protein sequence and biophysical properties (such as structural, functional, and spatial information, amino acid conservation, physicochemical variation, residue mobility, and thermodynamic stability) indicates that this missense variant is not expected to disrupt SIX5 protein function with a negative predictive value of 80%. In summary, the available evidence is currently insufficient to determine the role of this variant in disease. Therefore, it has been classified as a Variant of Uncertain Significance.

NM_175875.5(SIX5):c.1114C>G (p.Pro372Ala)

Genes: SIX5 (SIX homeobox 5; minus strand), LOC107075317 (origin of replication in DMPK trinucleotide repeat region; plus strand). Cytogenetic location: 19q13.32.
Variant type: single nucleotide variant.
Coding change: c.1114C>G on transcript NM_175875.5 (MANE Select); coding-DNA position 1114, C replaced by G.
Protein change: p.Pro372Ala; replaces proline 372 with alanine.
Molecular consequence: missense variant.
Genome position (GRCh38, 1-based): chr19:45,766,845, G>C on the plus strand (C>G on the coding strand, the complement: SIX5 is on the minus strand). VCF-style: chr19-45766845-G-C. GRCh37 (hg19) VCF-style: chr19-46270103-G-C.
Other names: short protein forms P372A.
Identifiers: ClinVar variation 4742302 (VCV004742302.1).
Genomic context (GRCh38, chr19:45,766,845, plus strand): 5'-CCCCTGTCTGAGGGTCCAGGACCAGAGAGGTCTTGGTCTCGCTGGCCCCCTGAGGGCTGG[G>C]CTGCGGTGGAGGGGCACCCCCGCCCCCAGTGAGCAGCAGCGGGCCCAGGCTGGAGGCCTC-3'
Protein context (NP_787071.3, residues 362-382): TGGGGAPPPQ[Pro372Ala]SPQGASETKT